The following is an entry in ClinVar:

NM_001201543.2(FAM161A):c.847dup (p.Arg283fs)

Gene: FAM161A (FAM161 centrosomal protein A; minus strand). Cytogenetic location: 2p15.
Variant type: Duplication.
Coding change: c.847dup on transcript NM_001201543.2 (MANE Select); coding-DNA position 847, one base duplicated (C; older notation c.847dupC).
Protein change: p.Arg283fs; shifts the reading frame from arginine 283.
Molecular consequence: frameshift variant. On other transcripts: non-coding transcript variant (1).
Genome position (GRCh38, 1-based): chr2:61,840,157, G duplicated on the plus strand (C on the coding strand, the reverse complement: FAM161A is on the minus strand); the first of 2 consecutive G bases (chr2:61,840,157-61,840,158); duplicating either gives the same sequence. VCF-style (leftmost placement, unchanged base first): chr2-61840156-C-CG. GRCh37 (hg19) VCF-style: chr2-62067291-C-CG.
Other names: c.847dup, p.Arg283fs (NM_032180.3); short protein forms R283fs.
Identifiers: ClinVar variation 1459163 (VCV001459163.6), dbSNP rs745574784, ClinGen allele CA1679261.

ClinVar aggregate classification (germline): Pathogenic (1 of 4 stars; one submission).

Submission:

Labcorp Genetics (formerly Invitae), Labcorp
Classification: Pathogenic. Last evaluated: 2021-02-18. Review status: criteria provided, single submitter. Criteria: Invitae Variant Classification Sherloc (09022015). Collection method: clinical testing. Allele origin: germline.
Comment: This variant has not been reported in the literature in individuals with FAM161A-related conditions. For these reasons, this variant has been classified as Pathogenic. This variant is present in population databases (rs745574784, ExAC 0.01%). This sequence change creates a premature translational stop signal (p.Arg283Profs*16) in the FAM161A gene. It is expected to result in an absent or disrupted protein product. Loss-of-function variants in FAM161A are known to be pathogenic (PMID: 20705278, 20705279, 24651477).

Literature cited by the submitters: PubMed 20705278; PubMed 20705279; PubMed 24651477.